The following is an entry in ClinVar:

ClinVar aggregate classification (germline): Uncertain significance (1 of 4 stars; one submission).

Allele frequency attached by ClinVar (database versions not stated): gnomAD exomes below 0.00001.
gnomAD v4.1: 3 of 1,614,178 alleles (0.00019%); highest among the groups gnomAD compares: East Asian, 0.0022%; no homozygotes.

Submission:

Labcorp Genetics (formerly Invitae), Labcorp
Classification: Uncertain significance. Last evaluated: 2022-10-27. Review status: criteria provided, single submitter. Criteria: Invitae Variant Classification Sherloc (09022015). Collection method: clinical testing. Allele origin: germline.
Comment: Algorithms developed to predict the effect of sequence changes on RNA splicing suggest that this variant may create or strengthen a splice site. Advanced modeling of protein sequence and biophysical properties (such as structural, functional, and spatial information, amino acid conservation, physicochemical variation, residue mobility, and thermodynamic stability) performed at Invitae indicates that this missense variant is not expected to disrupt EMC1 protein function. This variant has not been reported in the literature in individuals affected with EMC1-related conditions. This variant is not present in population databases (gnomAD no frequency). This sequence change replaces alanine, which is neutral and non-polar, with glycine, which is neutral and non-polar, at codon 13 of the EMC1 protein (p.Ala13Gly). In summary, the available evidence is currently insufficient to determine the role of this variant in disease. Therefore, it has been classified as a Variant of Uncertain Significance.

NM_015047.3(EMC1):c.38C>G (p.Ala13Gly)

Gene: EMC1 (ER membrane protein complex subunit 1; minus strand). Cytogenetic location: 1p36.13.
Variant type: single nucleotide variant.
Coding change: c.38C>G on transcript NM_015047.3 (MANE Select); coding-DNA position 38, C replaced by G.
Protein change: p.Ala13Gly; replaces alanine 13 with glycine.
Molecular consequence: missense variant.
Genome position (GRCh38, 1-based): chr1:19,251,472, G>C on the plus strand (C>G on the coding strand, the complement: EMC1 is on the minus strand). VCF-style: chr1-19251472-G-C. GRCh37 (hg19) VCF-style: chr1-19577966-G-C.
Other names: c.38C>G, p.Ala13Gly (NM_001271427.2, NM_001271428.2, NM_001271429.2 and 2 more transcripts); short protein forms A13G.
Identifiers: ClinVar variation 2809909 (VCV002809909.3), dbSNP rs2151970303, ClinGen allele CA338775844.